The following is an entry in ClinVar:

NM_024675.4(PALB2):c.47A>C (p.Lys16Thr)

Gene: PALB2 (partner and localizer of BRCA2; minus strand). Cytogenetic location: 16p12.2.
Variant type: single nucleotide variant.
Coding change: c.47A>C on transcript NM_024675.4 (MANE Select); coding-DNA position 47, A replaced by C.
Protein change: p.Lys16Thr; replaces lysine 16 with threonine.
Molecular consequence: missense variant.
Genome position (GRCh38, 1-based): chr16:23,641,111, T>G on the plus strand (A>C on the coding strand, the complement: PALB2 is on the minus strand). VCF-style: chr16-23641111-T-G. GRCh37 (hg19) VCF-style: chr16-23652432-T-G.
Other names: c.47A>C, p.Lys16Thr (NM_001407296.1, NM_001407297.1, NM_001407298.1 and 5 more transcripts); c.-1697A>C (NM_001407304.1, NM_001407310.1); c.-973A>C (NM_001407305.1, NM_001407307.1, NM_001407309.1 and 1 more transcripts); c.-106A>C (NM_001407312.1, NM_001407313.1); short protein forms K16T.
Identifiers: ClinVar variation 1713226 (VCV001713226.4), dbSNP rs1064795514, ClinGen allele CA395141005.
Genomic context (GRCh38, chr16:23,641,111, plus strand): 5'-TAAAACCCTGGGAAAGCGGGGTCAGAGTCCTGCGTCCGCCCTTCCCGCACCCCCGGCACC[T>G]TTTCCTTCTCCTCACAGCTGAGGGGCTTCCCGGGAGGCTCGTCCATCGGGCAGGCGACAG-3'
Protein context (NP_078951.2, residues 6-26): GKPLSCEEKE[Lys16Thr]LKEKLAFLKR

ClinVar aggregate classification (germline): Likely pathogenic. Review status: criteria provided, multiple submitters, no conflicts (2 of 4 stars). 3 submissions from 3 submitters: Likely pathogenic (2). 1 of the submissions does not count toward it. Last evaluated 2025-09-18.

Conditions:
Hereditary cancer-predisposing syndrome. Also called: Neoplastic Syndromes, Hereditary; Tumor predisposition; Hereditary Cancer Syndrome; Hereditary neoplastic syndrome. Identifiers: Orphanet 140162, MedGen C0027672, MeSH D009386, MONDO:0015356.
Hereditary breast ovarian cancer syndrome. Also called: Hereditary breast and ovarian cancer syndrome; Hereditary breast and ovarian cancer syndrome (HBOC); Breast and ovarian cancer; Hereditary breast and/or ovarian cancer syndrome; Hereditary breast and ovarian cancer; BRCA1- and BRCA2-Associated Hereditary Breast and Ovarian Cancer. Identifiers: Orphanet 145, MedGen C0677776, MeSH D061325, MONDO:0003582. Disease mechanism: loss of function.

Submissions (3):

Ambry Genetics
Classification: Likely pathogenic for Hereditary cancer-predisposing syndrome. Last evaluated: 2025-09-18. Review status: criteria provided, single submitter. Criteria: Ambry Variant Classification Scheme 2023. Collection method: clinical testing. Allele origin: germline.
Comment: The c.47A>C variant (also known as p.K16T), located in coding exon 1 of the PALB2 gene, results from an A to C substitution at nucleotide position 47. The lysine at codon 16 is replaced by threonine, an amino acid with similar properties. This nucleotide position is highly conserved in available vertebrate species. In silico splice site analysis predicts that this alteration will weaken the native splice donor site and may result in the creation or strengthening of a novel splice donor site. RNA studies have demonstrated that this alteration results in abnormal splicing in the set of samples tested (Ambry internal data). This variant is considered to be rare based on population cohorts in the Genome Aggregation Database (gnomAD). Based on the majority of available evidence to date, this variant is likely to be pathogenic.

Clinical Genetics Laboratory, Skane University Hospital Lund
Classification: Likely pathogenic. Last evaluated: 2022-05-27. Review status: criteria provided, single submitter. Criteria: ACMG Guidelines, 2015. Collection method: clinical testing. Allele origin: germline. Affected: yes.

BRCAlab, Lund University
Classification: Likely pathogenic for Hereditary breast ovarian cancer syndrome. Last evaluated: 2022-08-26. Review status: no assertion criteria provided. Collection method: clinical testing. Allele origin: germline. Affected: yes. Not counted in ClinVar's aggregate classification.